The following is an entry in ClinVar:

ClinVar aggregate classification (germline): Benign. Review status: criteria provided, multiple submitters, no conflicts (2 of 4 stars). 5 submissions from 5 submitters: Benign (4). 1 of the submissions does not count toward it. Last evaluated 2026-02-01.

Conditions:
PODXL-related disorder. Also called: PODXL-related condition.

Allele frequency attached by ClinVar (database versions not stated): TOPMed 0.04198; gnomAD 0.04413 and 0.03956; gnomAD exomes 0.06282; ExAC 0.06368; 1000 Genomes Project 0.07808; ESP Exome Variant Server 0.03721; 1000 Genomes Project 30x 0.07464.
gnomAD v4.1: 82,990 of 1,613,412 alleles (5.1%); highest among the groups gnomAD compares: East Asian, 22%; 3,201 homozygotes.

Submissions (5):

Labcorp Genetics (formerly Invitae), Labcorp
Classification: Benign. Last evaluated: 2026-02-01. Review status: criteria provided, single submitter. Criteria: Invitae Variant Classification Sherloc (09022015). Collection method: clinical testing. Allele origin: germline.

Mayo Clinic Laboratories, Mayo Clinic
Classification: Benign. Last evaluated: 2022-03-23. Review status: criteria provided, single submitter. Criteria: ACMG Guidelines, 2015. Collection method: clinical testing. Allele origin: germline. Observed: 61 variant alleles.

GeneDx
Classification: Benign. Last evaluated: 2021-05-05. Review status: criteria provided, single submitter. Criteria: GeneDx Variant Classification Process June 2021. Collection method: clinical testing. Allele origin: germline. Affected: yes.

Breakthrough Genomics
Classification: Benign. Review status: criteria provided, single submitter. Criteria: ACMG Guidelines, 2015. Collection method: not provided. Allele origin: germline. Inheritance: Unknown mechanism. Affected: yes.

PreventionGenetics, part of Exact Sciences
Classification: Benign for PODXL-related condition. Last evaluated: 2019-07-15. Review status: no assertion criteria provided. Collection method: clinical testing. Allele origin: germline. Not counted in ClinVar's aggregate classification.
Comment: This variant is classified as benign based on ACMG/AMP sequence variant interpretation guidelines (Richards et al. 2015 PMID: 25741868, with internal and published modifications).

NM_001018111.3(PODXL):c.1072G>A (p.Val358Ile)

Gene: PODXL (podocalyxin like; minus strand). Cytogenetic location: 7q32.3.
Variant type: single nucleotide variant.
Coding change: c.1072G>A on transcript NM_001018111.3 (MANE Select); coding-DNA position 1072, G replaced by A.
Protein change: p.Val358Ile; replaces valine 358 with isoleucine.
Molecular consequence: missense variant.
Genome position (GRCh38, 1-based): chr7:131,508,980, C>T on the plus strand (G>A on the coding strand, the complement: PODXL is on the minus strand). VCF-style: chr7-131508980-C-T. GRCh37 (hg19) VCF-style: chr7-131193739-C-T.
Other names: p.Val326Ile; c.976G>A, p.Val326Ile (NM_005397.4); short protein forms V326I, V358I.
Identifiers: ClinVar variation 1236309 (VCV001236309.15), dbSNP rs3212298, ClinGen allele CA4488504.